The following is an entry in ClinVar:

ClinVar aggregate classification (germline): Uncertain significance (1 of 4 stars; one submission).

Allele frequency attached by ClinVar (database versions not stated): TOPMed below 0.00001; gnomAD 0.00001; gnomAD exomes 0.00002.
gnomAD v4.1: 14 of 1,613,652 alleles (0.00087%); highest among the groups gnomAD compares: Non-Finnish European, 0.0012%; no homozygotes.

Submission:

Labcorp Genetics (formerly Invitae), Labcorp
Classification: Uncertain significance. Last evaluated: 2021-07-28. Review status: criteria provided, single submitter. Criteria: Invitae Variant Classification Sherloc (09022015). Collection method: clinical testing. Allele origin: germline.
Comment: In summary, the available evidence is currently insufficient to determine the role of this variant in disease. Therefore, it has been classified as a Variant of Uncertain Significance. Algorithms developed to predict the effect of missense changes on protein structure and function are either unavailable or do not agree on the potential impact of this missense change (SIFT: "Deleterious"; PolyPhen-2: "Benign"; Align-GVGD: "Class C0"). This missense change has been observed in individual(s) with clinical features of retinitis pigmentosa (Invitae). This variant is not present in population databases (ExAC no frequency). This sequence change replaces alanine with valine at codon 3027 of the VCAN protein (p.Ala3027Val). The alanine residue is highly conserved and there is a small physicochemical difference between alanine and valine.

NM_004385.5(VCAN):c.9080C>T (p.Ala3027Val)

Genes: VCAN (versican; plus strand), VCAN-AS1 (VCAN antisense RNA 1; minus strand). Cytogenetic location: 5q14.3.
Variant type: single nucleotide variant.
Coding change: c.9080C>T on transcript NM_004385.5 (MANE Select); coding-DNA position 9080, C replaced by T.
Protein change: p.Ala3027Val; replaces alanine 3027 with valine.
Molecular consequence: missense variant. On other transcripts: intron variant (2).
Genome position (GRCh38, 1-based): chr5:83,542,083, C>T. VCF-style: chr5-83542083-C-T. GRCh37 (hg19) VCF-style: chr5-82837902-C-T.
Other names: c.6119C>T, p.Ala2040Val (NM_001164097.2); c.4004-3454C>T (NM_001164098.2); c.1043-3454C>T (NM_001126336.3); short protein forms A3027V, A2040V.
Identifiers: ClinVar variation 1508334 (VCV001508334.6), dbSNP rs1747026695, ClinGen allele CA360294892.